The following is an entry in ClinVar:

ClinVar aggregate classification (germline): Uncertain significance (1 of 4 stars; one submission).

Submission:

GeneDx
Classification: Uncertain significance. Last evaluated: 2023-01-09. Review status: criteria provided, single submitter. Criteria: GeneDx Variant Classification Process June 2021. Collection method: clinical testing. Allele origin: germline. Affected: yes.
Comment: Not observed at significant frequency in large population cohorts (gnomAD); Canonical splice site variant in a gene or region of a gene for which loss of function is not a well-established mechanism of disease; Has not been previously published as pathogenic or benign to our knowledge

NM_178554.6(KY):c.137-2A>G

Genes: CEP63 (centrosomal protein 63; plus strand), KY (kyphoscoliosis peptidase; minus strand). Cytogenetic location: 3q22.2.
Variant type: single nucleotide variant.
Coding change: c.137-2A>G on transcript NM_178554.6 (MANE Select); the canonical splice acceptor site of the intron before coding-DNA position 137, A replaced by G.
Molecular consequence: splice acceptor variant. On other transcripts: intron variant (1).
Genome position (GRCh38, 1-based): chr3:134,647,499, T>C on the plus strand (A>G on the coding strand, the complement: KY is on the minus strand). VCF-style: chr3-134647499-T-C. GRCh37 (hg19) VCF-style: chr3-134366341-T-C.
Other names: c.137-2A>G (NM_001350859.2, NM_001366276.1, NM_001366277.2); c.136+3326A>G (NM_001350860.2).
Identifiers: ClinVar variation 2572780 (VCV002572780.1), dbSNP rs2547424328, ClinGen allele CA354622685.